The following is an entry in ClinVar:

ClinVar aggregate classification (germline): Uncertain significance (1 of 4 stars; one submission).

Allele frequency attached by ClinVar (database versions not stated): gnomAD exomes below 0.00001.

Submission:

Labcorp Genetics (formerly Invitae), Labcorp
Classification: Uncertain significance. Last evaluated: 2023-06-15. Review status: criteria provided, single submitter. Criteria: Invitae Variant Classification Sherloc (09022015). Collection method: clinical testing. Allele origin: germline.
Comment: In summary, the available evidence is currently insufficient to determine the role of this variant in disease. Therefore, it has been classified as a Variant of Uncertain Significance. ClinVar contains an entry for this variant (Variation ID: 1434159). This variant has not been reported in the literature in individuals affected with POLE2-related conditions. This variant is not present in population databases (gnomAD no frequency). This sequence change creates a premature translational stop signal (p.Ala226*) in the POLE2 gene. It is expected to result in an absent or disrupted protein product. However, the current clinical and genetic evidence is not sufficient to establish whether loss-of-function variants in POLE2 cause disease.

NM_002692.4(POLE2):c.674_675dup (p.Ala226Ter)

Gene: POLE2 (DNA polymerase epsilon 2, accessory subunit; minus strand). Cytogenetic location: 14q21.3.
Variant type: Duplication.
Coding change: c.674_675dup on transcript NM_002692.4 (MANE Select); coding-DNA positions 674 to 675, 2 bases duplicated (TA; older notation c.674_675dupTA).
Protein change: p.Ala226Ter; replaces alanine 226 with a stop codon.
Molecular consequence: nonsense.
Genome position (GRCh38, 1-based): chr14:49,664,633-49,664,634, TA duplicated on the plus strand (TA on the coding strand, the reverse complement: POLE2 is on the minus strand). VCF-style (leftmost placement, unchanged base first): chr14-49664632-C-CTA. GRCh37 (hg19) VCF-style: chr14-50131350-C-CTA.
Other names: c.596_597dup, p.Ala200Ter (NM_001197330.2); c.674_675dup, p.Ala226Ter (NM_001197331.3, NM_001348384.2); c.443_444dup, p.Ala149Ter (NM_001348385.2); short protein forms A200*, A226*, A149*.
Identifiers: ClinVar variation 1434159 (VCV001434159.6), dbSNP rs2139649210, ClinGen allele CA2573150001.